The following is an entry in ClinVar:

NM_001164508.2(NEB):c.21329G>A (p.Ser7110Asn)

Genes: NEB (nebulin; minus strand), RIF1 (replication timing regulatory factor 1; plus strand). Cytogenetic location: 2q23.3.
Variant type: single nucleotide variant.
Coding change: c.21329G>A on transcript NM_001164508.2 (MANE Select); coding-DNA position 21329, G replaced by A.
Protein change: p.Ser7110Asn; replaces serine 7110 with asparagine.
Molecular consequence: missense variant. On other transcripts: intron variant (2).
Genome position (GRCh38, 1-based): chr2:151,533,530, C>T on the plus strand (G>A on the coding strand, the complement: NEB is on the minus strand). VCF-style: chr2-151533530-C-T. GRCh37 (hg19) VCF-style: chr2-152390044-C-T.
Other names: c.21434G>A, p.Ser7145Asn (NM_001271208.2); c.16314+685G>A (NM_004543.5); c.21417+685G>A (NM_001164507.2); short protein forms S7110N, S7145N.
Identifiers: ClinVar variation 1980291 (VCV001980291.1), dbSNP rs1342814382, ClinGen allele CA348771851.

ClinVar aggregate classification (germline): Uncertain significance (1 of 4 stars; one submission).

Conditions:
Nemaline myopathy 2 (NEM2). Also called: Nemaline myopathy 2, autosomal recessive. Identifiers: MedGen C1850569, MONDO:0009725, OMIM 256030.

Submission:

Labcorp Genetics (formerly Invitae), Labcorp
Classification: Uncertain significance for Nemaline myopathy 2. Last evaluated: 2022-08-09. Review status: criteria provided, single submitter. Criteria: Invitae Variant Classification Sherloc (09022015). Collection method: clinical testing. Allele origin: germline.
Comment: This sequence change replaces serine, which is neutral and polar, with asparagine, which is neutral and polar, at codon 7145 of the NEB protein (p.Ser7145Asn). This variant is present in population databases (no rsID available, gnomAD 0.002%). This variant has not been reported in the literature in individuals affected with NEB-related conditions. Algorithms developed to predict the effect of missense changes on protein structure and function are either unavailable or do not agree on the potential impact of this missense change (SIFT: "Deleterious"; PolyPhen-2: "Not Available"; Align-GVGD: "Class C0"). In summary, the available evidence is currently insufficient to determine the role of this variant in disease. Therefore, it has been classified as a Variant of Uncertain Significance.